The following is an entry in ClinVar:

NM_014014.5(SNRNP200):c.1380A>G (p.Gln460=)

Gene: SNRNP200 (small nuclear ribonucleoprotein U5 subunit 200; minus strand). Cytogenetic location: 2q11.2.
Variant type: single nucleotide variant.
Coding change: c.1380A>G on transcript NM_014014.5 (MANE Select); coding-DNA position 1380, A replaced by G.
Protein change: p.Gln460=; no amino-acid change (glutamine 460 retained).
Molecular consequence: synonymous variant.
Genome position (GRCh38, 1-based): chr2:96,297,068, T>C on the plus strand (A>G on the coding strand, the complement: SNRNP200 is on the minus strand). VCF-style: chr2-96297068-T-C. GRCh37 (hg19) VCF-style: chr2-96962806-T-C.
Identifiers: ClinVar variation 2017824 (VCV002017824.4), dbSNP rs749913179, ClinGen allele CA1778941.

ClinVar aggregate classification (germline): Uncertain significance (1 of 4 stars; one submission).

Allele frequency attached by ClinVar (database versions not stated): gnomAD exomes 0.00001; ExAC 0.00002.
gnomAD v4.1: 4 of 1,614,208 alleles (0.00025%); highest among the groups gnomAD compares: East Asian, 0.0067%; no homozygotes.

Submission:

Labcorp Genetics (formerly Invitae), Labcorp
Classification: Uncertain significance. Last evaluated: 2022-07-17. Review status: criteria provided, single submitter. Criteria: Invitae Variant Classification Sherloc (09022015). Collection method: clinical testing. Allele origin: germline.
Comment: In summary, the available evidence is currently insufficient to determine the role of this variant in disease. Therefore, it has been classified as a Variant of Uncertain Significance. Algorithms developed to predict the effect of sequence changes on RNA splicing suggest that this variant may create or strengthen a splice site. This variant has not been reported in the literature in individuals affected with SNRNP200-related conditions. This variant is present in population databases (rs749913179, gnomAD 0.007%). This sequence change affects codon 460 of the SNRNP200 mRNA. It is a 'silent' change, meaning that it does not change the encoded amino acid sequence of the SNRNP200 protein.